The following is an entry in ClinVar:

ClinVar aggregate classification (germline): Pathogenic (1 of 4 stars; one submission).

Conditions:
Retinoblastoma (RB1). Also called: RETINOBLASTOMA, SOMATIC. Identifiers: Orphanet 790, MedGen C0035335, MeSH D012175, MONDO:0008380, OMIM 180200, HP:0009919. Disease mechanism: loss of function. Inheritance: Both sporadic and heritable forms are tested..

Submission:

Genetic Diagnostic Laboratory, University of Pennsylvania School of Medicine
Classification: Pathogenic for Retinoblastoma. Last evaluated: 2024-05-20. Review status: criteria provided, single submitter. Criteria: ACMG Guidelines, 2015. Collection method: clinical testing. Allele origin: germline. Affected: yes. Observed: 2 variant alleles.
Comment: Case and Pedigree Information: BILATERAL CASES:2, UNILATERAL CASES:0, TOTAL CASES:2, PEDIGREES:2. ACMG Codes Applied:PVS1, PM2

NM_000321.3(RB1):c.1695+1G>A

Gene: RB1 (RB transcriptional corepressor 1; plus strand). Cytogenetic location: 13q14.2.
Variant type: single nucleotide variant.
Coding change: c.1695+1G>A on transcript NM_000321.3 (MANE Select); the canonical splice donor site of the intron after coding-DNA position 1695, G replaced by A.
Molecular consequence: splice donor variant. On other transcripts: missense variant (1).
Genome position (GRCh38, 1-based): chr13:48,381,444, G>A. VCF-style: chr13-48381444-G-A. GRCh37 (hg19) VCF-style: chr13-48955580-G-A.
Other names: L11910:g.78280G>A; c.1696G>A, p.Val566Ile (NM_001407166.1); c.1695+1G>A (NM_001407165.1); short protein forms V566I.
Identifiers: ClinVar variation 126842 (VCV000126842.2), dbSNP rs587778857, ClinGen allele CA026389.
Genomic context (GRCh38, chr13:48,381,444, plus strand): 5'-ATGATAAAACATTTAGAACGATGTGAACATCGAATCATGGAATCCCTTGCATGGCTCTCA[G>A]TAAGTAGCTAAATAATTGAAGAAATTCATTCATGTGCATATGGCTAACAAATTATTGTTA-3'